The following is an entry in ClinVar:

NM_001148.6(ANK2):c.9996T>C (p.Ser3332=)

Gene: ANK2 (ankyrin 2; plus strand). Cytogenetic location: 4q26.
Variant type: single nucleotide variant.
Coding change: c.9996T>C on transcript NM_001148.6 (MANE Select); coding-DNA position 9996, T replaced by C.
Protein change: p.Ser3332=; no amino-acid change (serine 3332 retained).
Molecular consequence: synonymous variant. On other transcripts: intron variant (68).
Genome position (GRCh38, 1-based): chr4:113,358,614, T>C. VCF-style: chr4-113358614-T-C. GRCh37 (hg19) VCF-style: chr4-114279770-T-C.
Other names: c.9762T>C, p.Ser3254= (NM_001386142.1); c.6396T>C, p.Ser2132= (NM_001386166.1); c.10137T>C, p.Ser3379= (NM_001386174.1); c.10113T>C, p.Ser3371= (NM_001386175.1); c.4412-2209T>C (NM_001386186.2, NM_001386148.2); c.4214-2209T>C (NM_001354269.3); c.4292-2209T>C (NM_001386187.2); c.4253-2209T>C (NM_001386147.1); and 36 more.
Identifiers: ClinVar variation 220038 (VCV000220038.34), dbSNP rs145557320, ClinGen allele CA348211.

ClinVar aggregate classification (germline): Benign. Review status: criteria provided, multiple submitters, no conflicts (2 of 4 stars). 11 submissions from 11 submitters: Benign (9). 2 of the submissions do not count toward it. Last evaluated 2026-01-28.

Conditions:
Cardiovascular phenotype. Identifiers: MedGen CN230736.
Long QT syndrome (LQTS). Identifiers: MedGen C0023976, MeSH D008133, MONDO:0002442. Disease mechanism: loss of function. Inheritance: Various modes of inheritance.
Cardiac arrhythmia, ankyrin-B-related. Also called: ANKYRIN-B SYNDROME. Identifiers: Orphanet 101016, Orphanet 768, MedGen C1970119, MONDO:0010958, OMIM 600919.

Allele frequency attached by ClinVar (database versions not stated): TOPMed 0.00838; ESP Exome Variant Server 0.00884; gnomAD exomes 0.00067 and 0.00172; ExAC 0.00221; 1000 Genomes Project 30x 0.00734; gnomAD 0.00736 and 0.00778; 1000 Genomes Project 0.00779.
gnomAD v4.1: 2,132 of 1,613,952 alleles (0.13%); highest among the groups gnomAD compares: African/African-American, 2.5%; 26 homozygotes.

Submissions (11):

Labcorp Genetics (formerly Invitae), Labcorp
Classification: Benign for Long QT syndrome. Last evaluated: 2026-01-28. Review status: criteria provided, single submitter. Criteria: Invitae Variant Classification Sherloc (09022015). Collection method: clinical testing. Allele origin: germline.

Molecular Diagnostic Laboratory for Inherited Cardiovascular Disease, Montreal Heart Institute
Classification: Benign. Last evaluated: 2025-04-09. Review status: criteria provided, single submitter. Criteria: ACMG Guidelines, 2015. Collection method: clinical testing. Allele origin: germline. Affected: no.

ARUP Laboratories, Molecular Genetics and Genomics, ARUP Laboratories
Classification: Benign. Last evaluated: 2023-09-22. Review status: criteria provided, single submitter. Criteria: ARUP Molecular Germline Variant Investigation Process 2024. Collection method: clinical testing. Allele origin: germline.

Genome-Nilou Lab
Classification: Benign for Cardiac arrhythmia, ankyrin-B-related. Last evaluated: 2021-12-05. Review status: criteria provided, single submitter. Criteria: ACMG Guidelines, 2015. Collection method: clinical testing. Allele origin: germline. Affected: no.

Illumina Laboratory Services, Illumina
Classification: Benign for Cardiac arrhythmia, ankyrin-B-related. Last evaluated: 2018-01-13. Review status: criteria provided, single submitter. Criteria: ICSL Variant Classification Criteria 13 December 2019. Collection method: clinical testing. Allele origin: germline.
Comment: This variant was observed in the ICSL laboratory as part of a predisposition screen in an ostensibly healthy population. It had not been previously curated by ICSL or reported in the Human Gene Mutation Database (HGMD: prior to June 1st, 2018), and was therefore a candidate for classification through an automated scoring system. Utilizing variant allele frequency, disease prevalence and penetrance estimates, and inheritance mode, an automated score was calculated to assess if this variant is too frequent to cause the disease. Based on the score and internal cut-off values, a variant classified as benign is not then subjected to further curation. The score for this variant resulted in a classification of benign for this disease.

Women's Health and Genetics/Laboratory Corporation of America, LabCorp
Classification: Benign. Last evaluated: 2016-05-23. Review status: criteria provided, single submitter. Criteria: LabCorp Variant Classification Summary - May 2015. Collection method: clinical testing. Allele origin: germline.
Comment: Variant summary: The c.9996T>C (p.Ser3332=) in ANK2 gene is a synonymous change that involves a non-conserved nucleotide. 5/5 programs in Alamut predict that this variant does not affect normal splicing, however no functional studies supporting this notion were published at the time of evaluation. The variant is present in the control population dataset of ExAC at frequency of 0.0022 (268/121086 chrs tested) predominantly in individuals of African descent (0.0244; 252/10316 chrs tested) including 3 homozygous occurrences. The variant of interest has not, to our knowledge, been reported in affected individuals but is cited as Benign by a reputable database/clinical laboratory. Taking together, based on the prevalence of this variant in general population the variant was classified as Benign.

Ambry Genetics
Classification: Benign for Cardiovascular phenotype. Last evaluated: 2015-09-17. Review status: criteria provided, single submitter. Criteria: Ambry Variant Classification Scheme 2023. Collection method: clinical testing. Allele origin: germline.

GeneDx
Classification: Benign. Last evaluated: 2015-03-03. Review status: criteria provided, single submitter. Criteria: GeneDx Variant Classification Process June 2021. Collection method: clinical testing. Allele origin: germline. Affected: yes.

Breakthrough Genomics
Classification: Benign. Review status: criteria provided, single submitter. Criteria: ACMG Guidelines, 2015. Collection method: not provided. Allele origin: germline. Inheritance: Autosomal dominant inheritance. Affected: yes.

Clinical Genetics, Academic Medical Center
Classification: Benign. Review status: no assertion criteria provided. Collection method: clinical testing. Allele origin: germline. Affected: yes. Study: VKGL Data-share Consensus. Not counted in ClinVar's aggregate classification.

Joint Genome Diagnostic Labs from Nijmegen and Maastricht, Radboudumc and MUMC+
Classification: Benign. Review status: no assertion criteria provided. Collection method: clinical testing. Allele origin: germline. Affected: yes. Study: VKGL Data-share Consensus. Not counted in ClinVar's aggregate classification.